The following is an entry in ClinVar:

NM_015047.3(EMC1):c.1687A>C (p.Asn563His)

Genes: EMC1 (ER membrane protein complex subunit 1; minus strand), EMC1-AS1 (EMC1 antisense RNA 1; plus strand). Cytogenetic location: 1p36.13.
Variant type: single nucleotide variant.
Coding change: c.1687A>C on transcript NM_015047.3 (MANE Select); coding-DNA position 1687, A replaced by C.
Protein change: p.Asn563His; replaces asparagine 563 with histidine.
Molecular consequence: missense variant.
Genome position (GRCh38, 1-based): chr1:19,232,719, T>G on the plus strand (A>C on the coding strand, the complement: EMC1 is on the minus strand). VCF-style: chr1-19232719-T-G. GRCh37 (hg19) VCF-style: chr1-19559213-T-G.
Other names: c.1684A>C, p.Asn562His (NM_001271427.2, NM_001271428.2); c.1621A>C, p.Asn541His (NM_001271429.2); c.1696A>C, p.Asn566His (NM_001375820.1); c.1693A>C, p.Asn565His (NM_001375821.1); short protein forms N565H, N541H, N563H, N566H, N562H.
Identifiers: ClinVar variation 1472305 (VCV001472305.8), dbSNP rs2151949443, ClinGen allele CA338761012.

ClinVar aggregate classification (germline): Uncertain significance (1 of 4 stars; one submission).

gnomAD v4.1: 1 of 1,614,096 alleles (0.000062%); highest among the groups gnomAD compares: Non-Finnish European, 0.000085%; no homozygotes.

Submission:

Labcorp Genetics (formerly Invitae), Labcorp
Classification: Uncertain significance. Last evaluated: 2021-12-02. Review status: criteria provided, single submitter. Criteria: Invitae Variant Classification Sherloc (09022015). Collection method: clinical testing. Allele origin: germline.
Comment: Algorithms developed to predict the effect of missense changes on protein structure and function (SIFT, PolyPhen-2, Align-GVGD) all suggest that this variant is likely to be tolerated. This variant has not been reported in the literature in individuals affected with EMC1-related conditions. This variant is not present in population databases (gnomAD no frequency). This sequence change replaces asparagine, which is neutral and polar, with histidine, which is basic and polar, at codon 563 of the EMC1 protein (p.Asn563His). In summary, the available evidence is currently insufficient to determine the role of this variant in disease. Therefore, it has been classified as a Variant of Uncertain Significance.